The following is an entry in ClinVar:

NM_000256.3(MYBPC3):c.1205A>G (p.Glu402Gly)

Gene: MYBPC3 (myosin binding protein C3; minus strand). Cytogenetic location: 11p11.2.
Variant type: single nucleotide variant.
Coding change: c.1205A>G on transcript NM_000256.3 (MANE Select); coding-DNA position 1205, A replaced by G.
Protein change: p.Glu402Gly; replaces glutamic acid 402 with glycine.
Molecular consequence: missense variant.
Genome position (GRCh38, 1-based): chr11:47,343,510, T>C on the plus strand (A>G on the coding strand, the complement: MYBPC3 is on the minus strand). VCF-style: chr11-47343510-T-C. GRCh37 (hg19) VCF-style: chr11-47365061-T-C.
Other names: short protein forms E402G.
Identifiers: ClinVar variation 4278494 (VCV004278494.1).
Genomic context (GRCh38, chr11:47,343,510, plus strand): 5'-CCCCACCTCCACCCGAGCCCCCCTCCCCACCCCAGGCTGCACCTGCCGCTCATCTGGATC[T>C]CCTGGCCATTCTTGAGCCATTTGACCTCAGCGTCATGGTCAGCCAGTTCCACGGTCAGCC-3'
Protein context (NP_000247.2, residues 392-412): AEVKWLKNGQ[Glu402Gly]IQMSGSKYIF

ClinVar aggregate classification (germline): Uncertain significance (1 of 4 stars; one submission).

Submission:

GeneDx
Classification: Uncertain significance. Last evaluated: 2025-04-03. Review status: criteria provided, single submitter. Criteria: GeneDx Variant Classification Process June 2021. Collection method: clinical testing. Allele origin: germline. Affected: yes.
Comment: Not observed at significant frequency in large population cohorts (gnomAD); In silico analysis supports that this missense variant has a deleterious effect on protein structure/function; Has not been previously published as pathogenic or benign to our knowledge